The following is an entry in ClinVar:

ClinVar aggregate classification (germline): Uncertain significance (1 of 4 stars; one submission).

gnomAD v4.1: 1 of 1,614,172 alleles (0.000062%); highest among the groups gnomAD compares: Non-Finnish European, 0.000085%; no homozygotes.

Submission:

GeneDx
Classification: Uncertain significance. Last evaluated: 2019-03-21. Review status: criteria provided, single submitter. Criteria: GeneDx Variant Classification Process June 2021. Collection method: clinical testing. Allele origin: germline. Affected: yes.
Comment: Not observed in large population cohorts (Lek et al., 2016); In silico analysis, which includes protein predictors and evolutionary conservation, supports a deleterious effect; Has not been previously published as pathogenic or benign to our knowledge

NM_006015.6(ARID1A):c.5498G>C (p.Arg1833Pro)

Gene: ARID1A (AT-rich interaction domain 1A; plus strand). Cytogenetic location: 1p36.11.
Variant type: single nucleotide variant.
Coding change: c.5498G>C on transcript NM_006015.6 (MANE Select); coding-DNA position 5498, G replaced by C.
Protein change: p.Arg1833Pro; replaces arginine 1833 with proline.
Molecular consequence: missense variant.
Genome position (GRCh38, 1-based): chr1:26,779,396, G>C. VCF-style: chr1-26779396-G-C. GRCh37 (hg19) VCF-style: chr1-27105887-G-C.
Other names: c.4847G>C, p.Arg1616Pro (NM_139135.4); short protein forms R1616P, R1833P.
Identifiers: ClinVar variation 1307324 (VCV001307324.2), dbSNP rs375198223, ClinGen allele CA339185667.